The following is an entry in ClinVar:

NM_030665.4(RAI1):c.247A>G (p.Lys83Glu)

Gene: RAI1 (retinoic acid induced 1; plus strand). Cytogenetic location: 17p11.2.
Variant type: single nucleotide variant.
Coding change: c.247A>G on transcript NM_030665.4 (MANE Select); coding-DNA position 247, A replaced by G.
Protein change: p.Lys83Glu; replaces lysine 83 with glutamic acid.
Molecular consequence: missense variant.
Genome position (GRCh38, 1-based): chr17:17,793,195, A>G. VCF-style: chr17-17793195-A-G. GRCh37 (hg19) VCF-style: chr17-17696509-A-G.
Other names: short protein forms K83E.
Identifiers: ClinVar variation 2005509 (VCV002005509.4), dbSNP rs2508567736, ClinGen allele CA398545053.
Genomic context (GRCh38, chr17:17,793,195, plus strand): 5'-GCTGGCACGCCCTCTGGCACTGCAGCCGCGGTGGCCGCCGACAAGTACCACCGAGGCAGC[A>G]AGGCCCTGCCCACACAGCAAGGCCTGCAGGGGAGGCCGGCTTTCCCTGGCTACGGCGTCC-3'
Protein context (NP_109590.3, residues 73-93): VAADKYHRGS[Lys83Glu]ALPTQQGLQG

ClinVar aggregate classification (germline): Uncertain significance (1 of 4 stars; one submission).

Submission:

Labcorp Genetics (formerly Invitae), Labcorp
Classification: Uncertain significance. Last evaluated: 2022-09-13. Review status: criteria provided, single submitter. Criteria: Invitae Variant Classification Sherloc (09022015). Collection method: clinical testing. Allele origin: germline.
Comment: This sequence change replaces lysine, which is basic and polar, with glutamic acid, which is acidic and polar, at codon 83 of the RAI1 protein (p.Lys83Glu). This variant is not present in population databases (gnomAD no frequency). This variant has not been reported in the literature in individuals affected with RAI1-related conditions. Advanced modeling of protein sequence and biophysical properties (such as structural, functional, and spatial information, amino acid conservation, physicochemical variation, residue mobility, and thermodynamic stability) performed at Invitae indicates that this missense variant is expected to disrupt RAI1 protein function. In summary, the available evidence is currently insufficient to determine the role of this variant in disease. Therefore, it has been classified as a Variant of Uncertain Significance.